The following is an entry in ClinVar:

NM_000038.6(APC):c.183T>C (p.Ala61=)

Gene: APC (APC regulator of Wnt signaling pathway; plus strand). Cytogenetic location: 5q22.2.
Variant type: single nucleotide variant.
Coding change: c.183T>C on transcript NM_000038.6 (MANE Select); coding-DNA position 183, T replaced by C.
Protein change: p.Ala61=; no amino-acid change (alanine 61 retained).
Molecular consequence: synonymous variant. On other transcripts: 5 prime UTR variant (4), non-coding transcript variant (2).
Genome position (GRCh38, 1-based): chr5:112,766,373, T>C. VCF-style: chr5-112766373-T-C. GRCh37 (hg19) VCF-style: chr5-112102070-T-C.
Other names: c.183T>C, p.Ala61= (NM_001407456.1, NM_001407457.1, NM_001407458.1 and 16 more transcripts); c.-853T>C (NM_001407471.1, NM_001407470.1, NM_001407472.1 and 1 more transcripts); c.213T>C, p.Ala71= (NM_001127511.3, NM_001354897.2, NM_001354902.2 and 1 more transcripts); c.108T>C, p.Ala36= (NM_001354898.2, NM_001354904.2, NM_001407451.1); c.6T>C, p.Ala2= (NM_001354900.2, NM_001354901.2, NM_001354905.2 and 1 more transcripts); c.183T>C (NM_000038.5).
Identifiers: ClinVar variation 3148811 (VCV003148811.2), dbSNP rs2149784409, ClinGen allele CA445753001.

ClinVar aggregate classification (germline): Benign/Likely benign. Review status: criteria provided, multiple submitters, no conflicts (2 of 4 stars). 2 submissions from 2 submitters: Benign (1); Likely benign (1). Last evaluated 2024-04-11.

Conditions:
Familial adenomatous polyposis 1 (FAP1). Also called: POLYPOSIS, ADENOMATOUS INTESTINAL; FAMILIAL ADENOMATOUS POLYPOSIS 1, ATTENUATED. Identifiers: MedGen C2713442, MONDO:0021056, OMIM 175100. Disease mechanism: loss of function.
Hereditary cancer-predisposing syndrome. Also called: Neoplastic Syndromes, Hereditary; Tumor predisposition; Hereditary neoplastic syndrome; Hereditary Cancer Syndrome. Identifiers: Orphanet 140162, MedGen C0027672, MeSH D009386, MONDO:0015356.

Submissions (2):

Ambry Genetics
Classification: Likely benign for Hereditary cancer-predisposing syndrome. Last evaluated: 2024-04-11. Review status: criteria provided, single submitter. Criteria: Ambry Variant Classification Scheme 2023. Collection method: clinical testing. Allele origin: germline.

Myriad Genetics, Inc.
Classification: Benign for Familial adenomatous polyposis 1. Last evaluated: 2024-02-22. Review status: criteria provided, single submitter. Criteria: Myriad Autosomal Dominant, Autosomal Recessive and X-Linked Classification Criteria (2023). Collection method: clinical testing. Allele origin: unknown.
Comment: This variant is considered benign. This variant is a silent/synonymous amino acid change and it is not expected to impact splicing.